The following is an entry in ClinVar:

NM_004655.4(AXIN2):c.2142-3C>T

Gene: AXIN2 (axin 2; minus strand). Cytogenetic location: 17q24.1.
Variant type: single nucleotide variant.
Coding change: c.2142-3C>T on transcript NM_004655.4 (MANE Select); 3 bases into the intron before coding-DNA position 2142, C replaced by T.
Molecular consequence: intron variant.
Genome position (GRCh38, 1-based): chr17:65,535,724, G>A on the plus strand (C>T on the coding strand, the complement: AXIN2 is on the minus strand). VCF-style: chr17-65535724-G-A. GRCh37 (hg19) VCF-style: chr17-63531842-G-A.
Other names: c.1947-3C>T (NM_001363813.1); c.2142-3C>T (NM_004655.3).
Identifiers: ClinVar variation 3672021 (VCV003672021.3).

ClinVar aggregate classification (germline): Uncertain significance. Review status: criteria provided, multiple submitters, no conflicts (2 of 4 stars). 2 submissions from 2 submitters: Uncertain significance (2). Last evaluated 2025-01-17.

Conditions:
Hereditary cancer-predisposing syndrome. Also called: Neoplastic Syndromes, Hereditary; Tumor predisposition; Hereditary Cancer Syndrome; Hereditary neoplastic syndrome. Identifiers: Orphanet 140162, MedGen C0027672, MeSH D009386, MONDO:0015356.
Oligodontia-cancer predisposition syndrome. Also called: TOOTH AGENESIS-COLORECTAL CANCER SYNDROME. Identifiers: Orphanet 300576, MedGen C1837750, MONDO:0012075, OMIM 608615. Disease mechanism: loss of function.

Submissions (2):

Ambry Genetics
Classification: Uncertain significance for Hereditary cancer-predisposing syndrome. Last evaluated: 2025-01-17. Review status: criteria provided, single submitter. Criteria: Ambry Variant Classification Scheme 2023. Collection method: clinical testing. Allele origin: germline.
Comment: The c.2142-3C>T intronic variant results from a C to T substitution 3 nucleotides upstream from coding exon 8 in the AXIN2 gene. This nucleotide position is well conserved in available vertebrate species. In silico splice site analysis predicts that this alteration will not have any significant effect on splicing. Based on the available evidence, the clinical significance of this variant remains unclear.

Labcorp Genetics (formerly Invitae), Labcorp
Classification: Uncertain significance for Oligodontia-cancer predisposition syndrome. Last evaluated: 2024-11-18. Review status: criteria provided, single submitter. Criteria: Invitae Variant Classification Sherloc (09022015). Collection method: clinical testing. Allele origin: germline.
Comment: This sequence change falls in intron 8 of the AXIN2 gene. It does not directly change the encoded amino acid sequence of the AXIN2 protein. It affects a nucleotide within the consensus splice site. This variant is not present in population databases (gnomAD no frequency). This variant has not been reported in the literature in individuals affected with AXIN2-related conditions. Variants that disrupt the consensus splice site are a relatively common cause of aberrant splicing (PMID: 17576681, 9536098). Algorithms developed to predict the effect of sequence changes on RNA splicing suggest that this variant is not likely to affect RNA splicing. In summary, the available evidence is currently insufficient to determine the role of this variant in disease. Therefore, it has been classified as a Variant of Uncertain Significance.

Literature cited by the submitters: PubMed 17576681 (cited by Labcorp Genetics (formerly Invitae), Labcorp); PubMed 9536098 (cited by Labcorp Genetics (formerly Invitae), Labcorp).